The following is an entry in ClinVar:

ClinVar aggregate classification (germline): Uncertain significance (1 of 4 stars; one submission).

Conditions:
Familial encephalopathy with neuroserpin inclusion bodies. Also called: ENCEPHALOPATHY, FAMILIAL, WITH COLLINS BODIES. Identifiers: Orphanet 85110, MedGen C1858680, MONDO:0011412, OMIM 604218.

gnomAD v4.1: 11 of 1,614,036 alleles (0.00068%); highest among the groups gnomAD compares: African/African-American, 0.013%; no homozygotes.

Submission:

Labcorp Genetics (formerly Invitae), Labcorp
Classification: Uncertain significance for Familial encephalopathy with neuroserpin inclusion bodies. Last evaluated: 2023-09-20. Review status: criteria provided, single submitter. Criteria: Invitae Variant Classification Sherloc (09022015). Collection method: clinical testing. Allele origin: germline.
Comment: Advanced modeling of protein sequence and biophysical properties (such as structural, functional, and spatial information, amino acid conservation, physicochemical variation, residue mobility, and thermodynamic stability) performed at Invitae indicates that this missense variant is not expected to disrupt SERPINI1 protein function. In summary, the available evidence is currently insufficient to determine the role of this variant in disease. Therefore, it has been classified as a Variant of Uncertain Significance. ClinVar contains an entry for this variant (Variation ID: 1944107). This sequence change replaces alanine, which is neutral and non-polar, with valine, which is neutral and non-polar, at codon 25 of the SERPINI1 protein (p.Ala25Val). This variant is present in population databases (rs376206610, gnomAD 0.01%). This variant has not been reported in the literature in individuals affected with SERPINI1-related conditions.

NM_001122752.2(SERPINI1):c.74C>T (p.Ala25Val)

Gene: SERPINI1 (serpin family I member 1; plus strand). Cytogenetic location: 3q26.1.
Variant type: single nucleotide variant.
Coding change: c.74C>T on transcript NM_001122752.2 (MANE Select); coding-DNA position 74, C replaced by T.
Protein change: p.Ala25Val; replaces alanine 25 with valine.
Molecular consequence: missense variant.
Genome position (GRCh38, 1-based): chr3:167,789,202, C>T. VCF-style: chr3-167789202-C-T. GRCh37 (hg19) VCF-style: chr3-167506990-C-T.
Other names: c.74C>T, p.Ala25Val (NM_005025.5); short protein forms A25V.
Identifiers: ClinVar variation 1944107 (VCV001944107.5), dbSNP rs376206610, ClinGen allele CA2694727.